The following is an entry in ClinVar:

ClinVar aggregate classification (germline): Uncertain significance. Review status: criteria provided, multiple submitters, no conflicts (2 of 4 stars). 2 submissions from 2 submitters: Uncertain significance (2). Last evaluated 2025-12-17.

Allele frequency attached by ClinVar (database versions not stated): gnomAD exomes 0.00002; ExAC 0.00003; gnomAD 0.00003; TOPMed 0.00005; 1000 Genomes Project 30x 0.00016; 1000 Genomes Project 0.00020.
gnomAD v4.1: 35 of 1,608,416 alleles (0.0022%); highest among the groups gnomAD compares: African/African-American, 0.0067%; no homozygotes.

Submissions (2):

Labcorp Genetics (formerly Invitae), Labcorp
Classification: Uncertain significance. Last evaluated: 2025-12-17. Review status: criteria provided, single submitter. Criteria: Invitae Variant Classification Sherloc (09022015). Collection method: clinical testing. Allele origin: germline.
Comment: This sequence change replaces arginine, which is basic and polar, with histidine, which is basic and polar, at codon 488 of the PLD3 protein (p.Arg488His). This variant is present in population databases (rs574609978, gnomAD 0.01%). This variant has not been reported in the literature in individuals affected with PLD3-related conditions. ClinVar contains an entry for this variant (Variation ID: 2414268). An algorithm developed to predict the effect of missense changes on protein structure and function (PolyPhen-2) suggests that this variant is likely to be disruptive. In summary, the available evidence is currently insufficient to determine the role of this variant in disease. Therefore, it has been classified as a Variant of Uncertain Significance.

Ambry Genetics
Classification: Uncertain significance. Last evaluated: 2024-04-01. Review status: criteria provided, single submitter. Criteria: Ambry Variant Classification Scheme 2023. Collection method: clinical testing. Allele origin: germline.

NM_012268.4(PLD3):c.1463G>A (p.Arg488His)

Gene: PLD3 (phospholipase D family member 3; plus strand). Cytogenetic location: 19q13.2.
Variant type: single nucleotide variant.
Coding change: c.1463G>A on transcript NM_012268.4 (MANE Select); coding-DNA position 1463, G replaced by A.
Protein change: p.Arg488His; replaces arginine 488 with histidine.
Molecular consequence: missense variant.
Genome position (GRCh38, 1-based): chr19:40,378,163, G>A. VCF-style: chr19-40378163-G-A. GRCh37 (hg19) VCF-style: chr19-40884070-G-A.
Other names: c.1463G>A, p.Arg488His (NM_001031696.4, NM_001291311.2); c.1463G>A (NM_012268.2); short protein forms R488H.
Identifiers: ClinVar variation 2414268 (VCV002414268.7), dbSNP rs574609978, ClinGen allele CA9443058.